The following is an entry in ClinVar:

ClinVar aggregate classification (germline): Likely benign (1 of 4 stars; one submission).

Conditions:
Amyotrophic lateral sclerosis type 6. Also called: Amyotrophic lateral sclerosis 6, with or without frontotemporal dementia; FUS-Related Amyotrophic Laterial Sclerosis; AMYOTROPHIC LATERAL SCLEROSIS 6 WITHOUT FRONTOTEMPORAL DEMENTIA. Identifiers: Orphanet 275872, Orphanet 803, MedGen C2931786, MONDO:0011951, OMIM 608030.

Allele frequency attached by ClinVar (database versions not stated): 1000 Genomes Project 30x 0.00219; TOPMed 0.00083; 1000 Genomes Project 0.00160; gnomAD exomes 0.00019 and 0.00011; gnomAD 0.00076.
gnomAD v4.1: 168 of 600,120 alleles (0.028%); highest among the groups gnomAD compares: African/African-American, 0.25%; 1 homozygote.

Submission:

Illumina Laboratory Services, Illumina
Classification: Likely benign for Amyotrophic lateral sclerosis type 6. Last evaluated: 2018-01-12. Review status: criteria provided, single submitter. Criteria: ICSL Variant Classification Criteria 13 December 2019. Collection method: clinical testing. Allele origin: germline.
Comment: This variant was observed in the ICSL laboratory as part of a predisposition screen in an ostensibly healthy population. It had not been previously curated by ICSL or reported in the Human Gene Mutation Database (HGMD: prior to June 1st, 2018), and was therefore a candidate for classification through an automated scoring system. Utilizing variant allele frequency, disease prevalence and penetrance estimates, and inheritance mode, an automated score was calculated to assess if this variant is too frequent to cause the disease. Based on the score and internal cut-off values, a variant classified as likely benign is not then subjected to further curation. The score for this variant resulted in a classification of likely benign for this disease.

NM_004960.3(FUS):c.*335G>T

Gene: FUS (FUS DNA/RNA binding protein; plus strand). Cytogenetic location: 16p11.2.
Variant type: single nucleotide variant.
Coding change: c.*335G>T on transcript NM_004960.3; 335 bases downstream of the stop codon, G replaced by T.
Molecular consequence: 3 prime UTR variant (on NM_001170634.1). On other transcripts: non-coding transcript variant (1).
Genome position (GRCh38, 1-based): chr16:31,191,773, G>T. VCF-style: chr16-31191773-G-T. GRCh37 (hg19) VCF-style: chr16-31203094-G-T.
Other names: c.*335G>T (NM_001170634.1, NM_001170937.1).
Identifiers: ClinVar variation 887730 (VCV000887730.6), dbSNP rs192206514, ClinGen allele CA280602420.